The following is an entry in ClinVar:

NM_001754.5(RUNX1):c.1139A>G (p.Tyr380Cys)

Gene: RUNX1 (RUNX family transcription factor 1; minus strand). Cytogenetic location: 21q22.12.
Variant type: single nucleotide variant.
Coding change: c.1139A>G on transcript NM_001754.5 (MANE Select); coding-DNA position 1139, A replaced by G.
Protein change: p.Tyr380Cys; replaces tyrosine 380 with cysteine.
Molecular consequence: missense variant.
Genome position (GRCh38, 1-based): chr21:34,792,439, T>C on the plus strand (A>G on the coding strand, the complement: RUNX1 is on the minus strand). VCF-style: chr21-34792439-T-C. GRCh37 (hg19) VCF-style: chr21-36164736-T-C.
Other names: NM_001754.5(RUNX1):c.1139A>G; p.Tyr380Cys; c.1058A>G, p.Tyr353Cys (NM_001001890.3); c.1139A>G (NM_001754.4); short protein forms Y380C, Y353C.
Identifiers: ClinVar variation 1400931 (VCV001400931.10), dbSNP rs2145876304, ClinGen allele CA410147984.

ClinVar aggregate classification (germline): Uncertain significance. Review status: reviewed by expert panel (3 of 4 stars). 3 submissions from 3 submitters: Uncertain significance (1). 2 of the submissions do not count toward it. Last evaluated 2024-09-12.

Conditions:
Hereditary thrombocytopenia and hematologic cancer predisposition syndrome. Identifiers: Orphanet 71290, MedGen CN281654, MONDO:0011071.
Inborn genetic diseases. Identifiers: MedGen C0950123, MeSH D030342.
Hereditary thrombocytopenia and hematological cancer predisposition syndrome associated with RUNX1. Also called: Familial Platelet Disorder with Propensity to Acute Myelogenous Leukemia; Familial thrombocytopenia with propensity to acute myelogenous leukemia; PLATELET DISORDER, ASPIRIN-LIKE; RUNX1 Familial Platelet Disorder with Associated Myeloid Malignancies. Identifiers: Orphanet 71290, MedGen C1832388, MeSH C563324, MONDO:0100083, OMIM 601399.

Allele frequency attached by ClinVar (database versions not stated): gnomAD exomes below 0.00001.
gnomAD v4.1: 1 of 1,573,540 alleles (0.000064%); highest among the groups gnomAD compares: Non-Finnish European, 0.000086%; no homozygotes.

Submissions (3):

ClinGen Myeloid Malignancy Variant Curation Expert Panel
Classification: Uncertain significance for Hereditary thrombocytopenia and hematologic cancer predisposition syndrome. Last evaluated: 2024-09-12. Review status: reviewed by expert panel. Criteria: ClinGen MyeloMalig ACMG Specifications v2. Collection method: curation. Allele origin: germline. Inheritance: Autosomal dominant inheritance.
Comment: NM_001754.5(RUNX1):c.1139A>G (p.Tyr380Cys) is a missense variant which is completely absent from all population databases with at least 20x coverage for RUNX1 (PM2_Supporting). In summary, the clinical significance of this variant is uncertain. ACMG/AMP criteria applied, as specified by the Myeloid Malignancy Variant Curation Expert Panel for RUNX1: PM2_supporting.

Ambry Genetics
Classification: Uncertain significance for Inborn genetic diseases. Last evaluated: 2026-06-11. Review status: criteria provided, single submitter. Criteria: Ambry Variant Classification Scheme 2023. Collection method: clinical testing. Allele origin: germline. Not counted in ClinVar's aggregate classification.
Comment: The p.Y380C variant (also known as c.1139A>G), located in coding exon 8 of the RUNX1 gene, results from an A to G substitution at nucleotide position 1139. The tyrosine at codon 380 is replaced by cysteine, an amino acid with highly dissimilar properties. This amino acid position is highly conserved in available vertebrate species. In addition, this alteration is predicted to be deleterious by in silico analysis. Based on the available evidence, the clinical significance of this variant remains unclear.

Labcorp Genetics (formerly Invitae), Labcorp
Classification: Uncertain significance for Hereditary thrombocytopenia and hematological cancer predisposition syndrome associated with RUNX1. Last evaluated: 2020-12-29. Review status: criteria provided, single submitter. Criteria: Invitae Variant Classification Sherloc (09022015). Collection method: clinical testing. Allele origin: germline. Not counted in ClinVar's aggregate classification.
Comment: This sequence change replaces tyrosine with cysteine at codon 380 of the RUNX1 protein (p.Tyr380Cys). The tyrosine residue is moderately conserved and there is a large physicochemical difference between tyrosine and cysteine. This variant is not present in population databases (ExAC no frequency). This variant has not been reported in the literature in individuals with RUNX1-related conditions. Algorithms developed to predict the effect of missense changes on protein structure and function are either unavailable or do not agree on the potential impact of this missense change (SIFT: "Tolerated"; PolyPhen-2: "Probably Damaging"; Align-GVGD: "Class C0"). In summary, the available evidence is currently insufficient to determine the role of this variant in disease. Therefore, it has been classified as a Variant of Uncertain Significance.